The following is an entry in ClinVar:

ClinVar aggregate classification (germline): Uncertain significance (1 of 4 stars; one submission).

Conditions:
Familial cancer of breast. Also called: hereditary breast carcinoma; BREAST CANCER, FAMILIAL; Hereditary breast cancer. Identifiers: Orphanet 227535, MedGen C0346153, MONDO:0016419, OMIM 114480. Disease mechanism: loss of function.

Submission:

Labcorp Genetics (formerly Invitae), Labcorp
Classification: Uncertain significance for Familial cancer of breast. Last evaluated: 2025-07-08. Review status: criteria provided, single submitter. Criteria: Invitae Variant Classification Sherloc (09022015). Collection method: clinical testing. Allele origin: germline.
Comment: This sequence change replaces phenylalanine, which is neutral and non-polar, with leucine, which is neutral and non-polar, at codon 133 of the BARD1 protein (p.Phe133Leu). This variant is not present in population databases (gnomAD no frequency). This variant has not been reported in the literature in individuals affected with BARD1-related conditions. An algorithm developed to predict the effect of missense changes on protein structure and function outputs the following: PolyPhen-2: "Benign". The leucine amino acid residue is found in multiple mammalian species, which suggests that this missense change does not adversely affect protein function. In summary, the available evidence is currently insufficient to determine the role of this variant in disease. Therefore, it has been classified as a Variant of Uncertain Significance.

NM_000465.4(BARD1):c.399T>G (p.Phe133Leu)

Gene: BARD1 (BRCA1 associated RING domain 1; minus strand). Cytogenetic location: 2q35.
Variant type: single nucleotide variant.
Coding change: c.399T>G on transcript NM_000465.4 (MANE Select); coding-DNA position 399, T replaced by G.
Protein change: p.Phe133Leu; replaces phenylalanine 133 with leucine.
Molecular consequence: missense variant. On other transcripts: non-coding transcript variant (2), intron variant (3).
Genome position (GRCh38, 1-based): chr2:214,781,475, A>C on the plus strand (T>G on the coding strand, the complement: BARD1 is on the minus strand). VCF-style: chr2-214781475-A-C. GRCh37 (hg19) VCF-style: chr2-215646199-A-C.
Other names: c.342T>G, p.Phe114Leu (NM_001282543.2); c.158+27937T>G (NM_001282548.2); c.215+15586T>G (NM_001282545.2); c.364+10822T>G (NM_001282549.2); short protein forms F114L, F133L.
Identifiers: ClinVar variation 4722893 (VCV004722893.1).